The following is an entry in ClinVar:

NM_012186.3(FOXE3):c.712C>A (p.Pro238Thr)

Genes: LINC01389 (long intergenic non-protein coding RNA 1389; minus strand), FOXE3 (forkhead box E3; plus strand). Cytogenetic location: 1p33.
Variant type: single nucleotide variant.
Coding change: c.712C>A on transcript NM_012186.3 (MANE Select); coding-DNA position 712, C replaced by A.
Protein change: p.Pro238Thr; replaces proline 238 with threonine.
Molecular consequence: missense variant.
Genome position (GRCh38, 1-based): chr1:47,417,027, C>A. VCF-style: chr1-47417027-C-A. GRCh37 (hg19) VCF-style: chr1-47882699-C-A.
Other names: short protein forms P238T.
Identifiers: ClinVar variation 4259171 (VCV004259171.1).

ClinVar aggregate classification (germline): Uncertain significance (1 of 4 stars; one submission).

Conditions:
Cardiovascular phenotype. Identifiers: MedGen CN230736.

Submission:

Ambry Genetics
Classification: Uncertain significance for Cardiovascular phenotype. Last evaluated: 2025-06-28. Review status: criteria provided, single submitter. Criteria: Ambry Variant Classification Scheme 2023. Collection method: clinical testing. Allele origin: germline.
Comment: The p.P238T variant (also known as c.712C>A), located in coding exon 1 of the FOXE3 gene, results from a C to A substitution at nucleotide position 712. The proline at codon 238 is replaced by threonine, an amino acid with highly similar properties. This amino acid position is conserved. In addition, this alteration is predicted to be tolerated by in silico analysis. Based on the available evidence, the clinical significance of this variant remains unclear.